The following is an entry in ClinVar:

ClinVar aggregate classification (germline): Uncertain significance. Review status: criteria provided, multiple submitters, no conflicts (2 of 4 stars). 2 submissions from 2 submitters: Uncertain significance (2). Last evaluated 2024-12-28.

Conditions:
Hereditary spastic paraplegia 50 (SPG50). Also called: Spastic paraplegia 50, autosomal recessive. Identifiers: Orphanet 280763, MedGen C2752008, MONDO:0013048, OMIM 612936.
Inborn genetic diseases. Identifiers: MedGen C0950123, MeSH D030342.

Allele frequency attached by ClinVar (database versions not stated): gnomAD 0.00001 and 0.00002; TOPMed 0.00002.
gnomAD v4.1: 16 of 1,613,860 alleles (0.00099%); highest among the groups gnomAD compares: Admixed American, 0.0033%; no homozygotes.

Submissions (2):

Ambry Genetics
Classification: Uncertain significance for Inborn genetic diseases. Last evaluated: 2024-12-28. Review status: criteria provided, single submitter. Criteria: Ambry Variant Classification Scheme 2023. Collection method: clinical testing. Allele origin: germline.

Labcorp Genetics (formerly Invitae), Labcorp
Classification: Uncertain significance for Hereditary spastic paraplegia 50. Last evaluated: 2023-08-10. Review status: criteria provided, single submitter. Criteria: Invitae Variant Classification Sherloc (09022015). Collection method: clinical testing. Allele origin: germline.
Comment: This variant is present in population databases (rs751442561, gnomAD 0.003%). This sequence change replaces glutamic acid, which is acidic and polar, with lysine, which is basic and polar, at codon 410 of the AP4M1 protein (p.Glu410Lys). This variant has not been reported in the literature in individuals affected with AP4M1-related conditions. ClinVar contains an entry for this variant (Variation ID: 1475160). Advanced modeling of protein sequence and biophysical properties (such as structural, functional, and spatial information, amino acid conservation, physicochemical variation, residue mobility, and thermodynamic stability) has been performed at Invitae for this missense variant, however the output from this modeling did not meet the statistical confidence thresholds required to predict the impact of this variant on AP4M1 protein function. In summary, the available evidence is currently insufficient to determine the role of this variant in disease. Therefore, it has been classified as a Variant of Uncertain Significance.

NM_004722.4(AP4M1):c.1228G>A (p.Glu410Lys)

Gene: AP4M1 (adaptor related protein complex 4 subunit mu 1; plus strand). Cytogenetic location: 7q22.1.
Variant type: single nucleotide variant.
Coding change: c.1228G>A on transcript NM_004722.4 (MANE Select); coding-DNA position 1228, G replaced by A.
Protein change: p.Glu410Lys; replaces glutamic acid 410 with lysine.
Molecular consequence: missense variant.
Genome position (GRCh38, 1-based): chr7:100,106,748, G>A. VCF-style: chr7-100106748-G-A. GRCh37 (hg19) VCF-style: chr7-99704371-G-A.
Other names: c.1249G>A, p.Glu417Lys (NM_001363671.2); c.1228G>A (NM_004722.3); short protein forms E417K, E410K.
Identifiers: ClinVar variation 1475160 (VCV001475160.7), dbSNP rs751442561, ClinGen allele CA163220101.
Genomic context (GRCh38, chr7:100,106,748, plus strand): 5'-AGCCATGGGCTCTCCACCTCGGCCTCTCCTCTGGGGCTGGGCCCTGCCAGTCTCTCCTTC[G>A]AGCTTCCCCGGCACACGTGCTCTGGCCTCCAGGTCCGATTCCTCAGGCTGGCCTTCAGGC-3'
Protein context (NP_004713.2, residues 400-420): LGLGPASLSF[Glu410Lys]LPRHTCSGLQ